The following is an entry in ClinVar:

ClinVar aggregate classification (germline): Pathogenic (1 of 4 stars; one submission).

Submission:

Labcorp Genetics (formerly Invitae), Labcorp
Classification: Pathogenic. Last evaluated: 2022-07-12. Review status: criteria provided, single submitter. Criteria: Invitae Variant Classification Sherloc (09022015). Collection method: clinical testing. Allele origin: germline.
Comment: For these reasons, this variant has been classified as Pathogenic. ClinVar contains an entry for this variant (Variation ID: 1451130). This variant has not been reported in the literature in individuals affected with GPR179-related conditions. This variant is not present in population databases (gnomAD no frequency). This sequence change creates a premature translational stop signal (p.Pro286Glnfs*47) in the GPR179 gene. It is expected to result in an absent or disrupted protein product. Loss-of-function variants in GPR179 are known to be pathogenic (PMID: 22325361, 22325362).

Literature cited by the submitters: PubMed 22325361; PubMed 22325362.

NM_001004334.4(GPR179):c.857del (p.Pro286fs)

Gene: GPR179 (G protein-coupled receptor 179; minus strand). Cytogenetic location: 17q12.
Variant type: Deletion.
Coding change: c.857del on transcript NM_001004334.4 (MANE Select); coding-DNA position 857, one base deleted (C; older notation c.857delC).
Protein change: p.Pro286fs; shifts the reading frame from proline 286.
Molecular consequence: frameshift variant.
Genome position (GRCh38, 1-based): chr17:38,339,463, G deleted on the plus strand (C on the coding strand, the reverse complement: GPR179 is on the minus strand); the first of 3 consecutive G bases (chr17:38,339,463-38,339,465); deleting any one gives the same sequence. VCF-style (leftmost placement, unchanged base first): chr17-38339462-TG-T. GRCh37 (hg19) VCF-style: chr17-36495345-TG-T.
Other names: short protein forms P286fs.
Identifiers: ClinVar variation 1451130 (VCV001451130.6), dbSNP rs2144276592, ClinGen allele CA2573153926.